The following is an entry in ClinVar:

ClinVar aggregate classification (germline): Likely benign (1 of 4 stars; one submission).

Conditions:
Familial hemophagocytic lymphohistiocytosis 4 (FHL4). Also called: STX11-Related Familial Hemophagocytic Lymphohistiocytosis (STX11-fHLH). Identifiers: Orphanet 540, MedGen C1863728, MONDO:0011336, OMIM 603552.

Allele frequency attached by ClinVar (database versions not stated): gnomAD 0.00241 and 0.00253; TOPMed 0.00264; 1000 Genomes Project 0.00419; 1000 Genomes Project 30x 0.00484.
gnomAD v4.1: 364 of 151,450 alleles (0.24%); highest among the groups gnomAD compares: African/African-American, 0.79%; 2 homozygotes.

Submission:

Illumina Laboratory Services, Illumina
Classification: Likely benign for Familial hemophagocytic lymphohistiocytosis 4. Last evaluated: 2018-01-12. Review status: criteria provided, single submitter. Criteria: ICSL Variant Classification Criteria 13 December 2019. Collection method: clinical testing. Allele origin: germline.
Comment: This variant was observed in the ICSL laboratory as part of a predisposition screen in an ostensibly healthy population. It had not been previously curated by ICSL or reported in the Human Gene Mutation Database (HGMD: prior to June 1st, 2018), and was therefore a candidate for classification through an automated scoring system. Utilizing variant allele frequency, disease prevalence and penetrance estimates, and inheritance mode, an automated score was calculated to assess if this variant is too frequent to cause the disease. Based on the score and internal cut-off values, a variant classified as likely benign is not then subjected to further curation. The score for this variant resulted in a classification of likely benign for this disease.

NM_003764.4(STX11):c.*4070C>A

Gene: STX11 (syntaxin 11; plus strand). Cytogenetic location: 6q24.2.
Variant type: single nucleotide variant.
Coding change: c.*4070C>A on transcript NM_003764.4 (MANE Select); 4070 bases downstream of the stop codon, C replaced by A.
Molecular consequence: 3 prime UTR variant.
Genome position (GRCh38, 1-based): chr6:144,191,561, C>A. VCF-style: chr6-144191561-C-A. GRCh37 (hg19) VCF-style: chr6-144512698-C-A.
Other names: c.*4070C>A (LRG_113t1).
Identifiers: ClinVar variation 355661 (VCV000355661.5), dbSNP rs148176592, ClinGen allele CA10626173.